The following is an entry in ClinVar:

ClinVar aggregate classification (germline): Uncertain significance (1 of 4 stars; one submission).

Conditions:
Ataxia-telangiectasia syndrome (AT). Also called: Cerebello-oculocutaneous telangiectasia; Immunodeficiency with ataxia telangiectasia; Ataxia-telangiectasia, complementation group E; Ataxia-telangiectasia, complementation group D; AT, COMPLEMENTATION GROUP C; ATAXIA-TELANGIECTASIA, COMPLEMENTATION GROUP A. Identifiers: Orphanet 100, MedGen C0004135, MONDO:0008840, OMIM 208900.

Submission:

Labcorp Genetics (formerly Invitae), Labcorp
Classification: Uncertain significance for Ataxia-telangiectasia syndrome. Last evaluated: 2017-09-02. Review status: criteria provided, single submitter. Criteria: Invitae Variant Classification Sherloc (09022015). Collection method: clinical testing. Allele origin: germline.
Comment: This variant, c.8164_8181del18, results in the deletion of 6 amino acids of the ATM protein (p.Leu2722_Val2727del), but otherwise preserves the integrity of the reading frame. In summary, the available evidence is currently insufficient to determine the role of this variant in disease. Therefore, it has been classified as a Variant of Uncertain Significance. Experimental studies and prediction algorithms are not available for this variant, and the functional significance of the deleted amino acids is currently unknown. This variant has not been reported in the literature in individuals with ATM-related disease. This variant is not present in population databases (ExAC no frequency).

NM_000051.4(ATM):c.8164_8181del (p.Leu2722_Val2727del)

Genes: C11orf65 (chromosome 11 open reading frame 65; minus strand), ATM (ATM serine/threonine kinase; plus strand). Cytogenetic location: 11q22.3.
Variant type: Deletion.
Coding change: c.8164_8181del on transcript NM_000051.4 (MANE Select); coding-DNA positions 8164 to 8181, 18 bases deleted (CTGAGACAAGATGCTGTC).
Protein change: p.Leu2722_Val2727del.
Molecular consequence: inframe deletion. On other transcripts: intron variant (2).
Genome position (GRCh38, 1-based): chr11:108,335,857-108,335,874, CTGAGACAAGATGCTGTC deleted; deleting any 18 consecutive bases within chr11:108,335,856-108,335,874 gives the same sequence; the c. name uses the placement nearest the transcript's 3' end. VCF-style (leftmost placement, unchanged base first): chr11-108335855-ACCTGAGACAAGATGCTGT-A. GRCh37 (hg19) VCF-style: chr11-108206582-ACCTGAGACAAGATGCTGT-A.
Other names: c.8164_8181del, p.Leu2722_Val2727del (NM_001351834.2); c.641-26802_641-26785del (NM_001330368.2); c.695-581_695-564del (NM_001351110.2).
Identifiers: ClinVar variation 524385 (VCV000524385.10), dbSNP rs1555128287, ClinGen allele CA658797754.
Genomic context (GRCh38, chr11:108,335,855, plus strand): 5'-TTATAATAAAATAAACTGTACTTGTTTATTCATGCTTAATTATTCTGAAGGGCCGTGATG[ACCTGAGACAAGATGCTGT>A]CATGCAACAGGTCTTCCAGATGTGTAATACATTACTGCAGAGAAACACGGAAACTAGGAA-3'